The following is an entry in ClinVar:

NM_017649.5(CNNM2):c.890A>G (p.Lys297Arg)

Gene: CNNM2 (cyclin and CBS domain divalent metal cation transport mediator 2; plus strand). Cytogenetic location: 10q24.32.
Variant type: single nucleotide variant.
Coding change: c.890A>G on transcript NM_017649.5 (MANE Select); coding-DNA position 890, A replaced by G.
Protein change: p.Lys297Arg; replaces lysine 297 with arginine.
Molecular consequence: missense variant.
Genome position (GRCh38, 1-based): chr10:102,919,370, A>G. VCF-style: chr10-102919370-A-G. GRCh37 (hg19) VCF-style: chr10-104679127-A-G.
Other names: c.890A>G, p.Lys297Arg (NM_199076.3, NM_199077.3); short protein forms K297R.
Identifiers: ClinVar variation 2898577 (VCV002898577.3), dbSNP rs757715211, ClinGen allele CA5670328.

ClinVar aggregate classification (germline): Uncertain significance (1 of 4 stars; one submission).

Allele frequency attached by ClinVar (database versions not stated): gnomAD exomes 0.00001; ExAC 0.00002; gnomAD 0.00002; TOPMed 0.00003.
gnomAD v4.1: 22 of 1,612,658 alleles (0.0014%); highest among the groups gnomAD compares: Non-Finnish European, 0.00017%; no homozygotes.

Submission:

Labcorp Genetics (formerly Invitae), Labcorp
Classification: Uncertain significance. Last evaluated: 2024-01-25. Review status: criteria provided, single submitter. Criteria: Invitae Variant Classification Sherloc (09022015). Collection method: clinical testing. Allele origin: germline.
Comment: This sequence change replaces lysine, which is basic and polar, with arginine, which is basic and polar, at codon 297 of the CNNM2 protein (p.Lys297Arg). This variant is present in population databases (rs757715211, gnomAD 0.07%). This variant has not been reported in the literature in individuals affected with CNNM2-related conditions. Advanced modeling of protein sequence and biophysical properties (such as structural, functional, and spatial information, amino acid conservation, physicochemical variation, residue mobility, and thermodynamic stability) performed at Invitae indicates that this missense variant is not expected to disrupt CNNM2 protein function with a negative predictive value of 80%. In summary, the available evidence is currently insufficient to determine the role of this variant in disease. Therefore, it has been classified as a Variant of Uncertain Significance.